The following is an entry in ClinVar:

ClinVar aggregate classification (germline): Uncertain significance (1 of 4 stars; one submission).

Conditions:
Charcot-Marie-Tooth disease axonal type 2P. Also called: CHARCOT-MARIE-TOOTH NEUROPATHY, TYPE 2P; Charcot-Marie-Tooth Neuropathy Type 2G; CHARCOT-MARIE-TOOTH DISEASE, AXONAL, TYPE 2G; CMT 2G. Identifiers: Orphanet 300319, Orphanet 99941, MedGen C3280797, MONDO:0013753, OMIM 614436.

Submission:

ARUP Laboratories, Molecular Genetics and Genomics, ARUP Laboratories
Classification: Uncertain significance for Charcot-Marie-Tooth disease axonal type 2P. Last evaluated: 2023-10-31. Review status: criteria provided, single submitter. Criteria: ARUP Molecular Germline Variant Investigation Process 2024. Collection method: clinical testing. Allele origin: germline.
Comment: The LRSAM1 c.22C>G; p.Arg8Gly variant (rs752596738), to our knowledge, is not reported in the medical literature or gene specific databases. This variant is only observed on two alleles in the Genome Aggregation Database, indicating it is not a common polymorphism. Computational analyses are uncertain whether this variant is neutral or deleterious (REVEL: 0.151). Due to limited information, the clinical significance of this variant is uncertain at this time.

NM_001005373.4(LRSAM1):c.22C>G (p.Arg8Gly)

Gene: LRSAM1 (leucine rich repeat and sterile alpha motif containing 1; plus strand). Cytogenetic location: 9q33.3.
Variant type: single nucleotide variant.
Coding change: c.22C>G on transcript NM_001005373.4 (MANE Select); coding-DNA position 22, C replaced by G.
Protein change: p.Arg8Gly; replaces arginine 8 with glycine.
Molecular consequence: missense variant. On other transcripts: 5 prime UTR variant (1), non-coding transcript variant (2).
Genome position (GRCh38, 1-based): chr9:127,454,549, C>G. VCF-style: chr9-127454549-C-G. GRCh37 (hg19) VCF-style: chr9-130216828-C-G.
Other names: c.22C>G, p.Arg8Gly (NM_001005374.4, NM_001190723.3, NM_001384142.1 and 2 more transcripts); c.-763C>G (NM_001384144.1); short protein forms R8G.
Identifiers: ClinVar variation 2921155 (VCV002921155.1), dbSNP rs752596738, ClinGen allele CA5246347.